The following is an entry in ClinVar:

ClinVar aggregate classification (germline): Uncertain significance (1 of 4 stars; one submission).

Submission:

Ambry Genetics
Classification: Uncertain significance. Last evaluated: 2024-05-26. Review status: criteria provided, single submitter. Criteria: Ambry Variant Classification Scheme 2023. Collection method: clinical testing. Allele origin: germline.
Comment: The p.A163T variant (also known as c.487G>A), located in coding exon 4 of the RECQL gene, results from a G to A substitution at nucleotide position 487. The alanine at codon 163 is replaced by threonine, an amino acid with similar properties. This amino acid position is conserved. In addition, the in silico prediction for this alteration is inconclusive. Based on the available evidence, the clinical significance of this variant remains unclear.

NM_002907.4(RECQL):c.487G>A (p.Ala163Thr)

Gene: RECQL (RecQ like helicase; minus strand). Cytogenetic location: 12p12.1.
Variant type: single nucleotide variant.
Coding change: c.487G>A on transcript NM_002907.4 (MANE Select); coding-DNA position 487, G replaced by A.
Protein change: p.Ala163Thr; replaces alanine 163 with threonine.
Molecular consequence: missense variant.
Genome position (GRCh38, 1-based): chr12:21,486,493, C>T on the plus strand (G>A on the coding strand, the complement: RECQL is on the minus strand). VCF-style: chr12-21486493-C-T. GRCh37 (hg19) VCF-style: chr12-21639427-C-T.
Other names: c.487G>A, p.Ala163Thr (NM_032941.3); short protein forms A163T.
Identifiers: ClinVar variation 3313527 (VCV003313527.1).
Genomic context (GRCh38, chr12:21,486,493, plus strand): 5'-TCAGTGAATAGTTTACATTAAAAAAAAAAAAGCCACTGAAACATACCTTAGAACTAGAAG[C>T]ATTTAACATGGTTGCTGAAATTCCTAATTGTTTTAAAACCATTAATTGGTCTTCCATAAG-3'
Protein context (NP_002898.2, residues 153-173): QLGISATMLN[Ala163Thr]SSSKEHVKWV